The following is an entry in ClinVar:

ClinVar aggregate classification (germline): Uncertain significance (1 of 4 stars; one submission).

Conditions:
Dilated cardiomyopathy 1G (CMD1G). Identifiers: Orphanet 154, MedGen C1858763, MONDO:0011400, OMIM 604145.
Autosomal recessive limb-girdle muscular dystrophy type 2J (LGMDR10). Also called: Limb-girdle muscular dystrophy, type 2J; MUSCULAR DYSTROPHY, LIMB-GIRDLE, AUTOSOMAL RECESSIVE 10. Identifiers: Orphanet 140922, MedGen C1837342, MONDO:0012127, OMIM 608807.

Allele frequency attached by ClinVar (database versions not stated): TOPMed below 0.00001.

Submission:

Labcorp Genetics (formerly Invitae), Labcorp
Classification: Uncertain significance for Dilated cardiomyopathy 1G; Autosomal recessive limb-girdle muscular dystrophy type 2J. Last evaluated: 2023-04-29. Review status: criteria provided, single submitter. Criteria: Invitae Variant Classification Sherloc (09022015). Collection method: clinical testing. Allele origin: germline.
Comment: This variant has not been reported in the literature in individuals affected with TTN-related conditions. This variant is not present in population databases (gnomAD no frequency). This sequence change replaces serine, which is neutral and polar, with threonine, which is neutral and polar, at codon 34891 of the TTN protein (p.Ser34891Thr). Experimental studies and prediction algorithms are not available or were not evaluated, and the functional significance of this variant is currently unknown. In summary, the available evidence is currently insufficient to determine the role of this variant in disease. Therefore, it has been classified as a Variant of Uncertain Significance. This variant is located in the M band of TTN (PMID: 25589632). Variants in this region may be relevant for neuromuscular disorders, but have not been definitively shown to cause cardiomyopathy (PMID: 23975875).

Literature cited by the submitters: PubMed 25589632; PubMed 23975875.

NM_001267550.2(TTN):c.104671T>A (p.Ser34891Thr)

Genes: TTN (titin; minus strand), TTN-AS1 (TTN antisense RNA 1; plus strand). Cytogenetic location: 2q31.2.
Variant type: single nucleotide variant.
Coding change: c.104671T>A on transcript NM_001267550.2 (MANE Select); coding-DNA position 104671, T replaced by A.
Protein change: p.Ser34891Thr; replaces serine 34891 with threonine.
Molecular consequence: missense variant.
Genome position (GRCh38, 1-based): chr2:178,531,944, A>T on the plus strand (T>A on the coding strand, the complement: TTN is on the minus strand). VCF-style: chr2-178531944-A-T. GRCh37 (hg19) VCF-style: chr2-179396671-A-T.
Other names: c.99748T>A, p.Ser33250Thr (NM_001256850.1); c.77476T>A, p.Ser25826Thr (NM_003319.4); c.96967T>A, p.Ser32323Thr (NM_133378.4); c.77851T>A, p.Ser25951Thr (NM_133432.3); c.78052T>A, p.Ser26018Thr (NM_133437.4); short protein forms S25951T, S32323T, S25826T, S26018T, S33250T, S34891T.
Identifiers: ClinVar variation 2947876 (VCV002947876.3), dbSNP rs1689302085, ClinGen allele CA349411178.